The following is an entry in ClinVar:

NM_000543.5(SMPD1):c.1783C>G (p.Leu595Val)

Gene: SMPD1 (sphingomyelin phosphodiesterase 1; plus strand). Cytogenetic location: 11p15.4.
Variant type: single nucleotide variant.
Coding change: c.1783C>G on transcript NM_000543.5 (MANE Select); coding-DNA position 1783, C replaced by G.
Protein change: p.Leu595Val; replaces leucine 595 with valine.
Molecular consequence: missense variant. On other transcripts: 3 prime UTR variant (1), non-coding transcript variant (2).
Genome position (GRCh38, 1-based): chr11:6,394,494, C>G. VCF-style: chr11-6394494-C-G. GRCh37 (hg19) VCF-style: chr11-6415724-C-G.
Other names: c.1780C>G, p.Leu594Val (NM_001007593.3); c.*276C>G (NM_001318087.2); c.862C>G, p.Leu288Val (NM_001318088.2); c.1651C>G, p.Leu551Val (NM_001365135.2); short protein forms L288V, L551V, L594V, L595V.
Identifiers: ClinVar variation 1173980 (VCV001173980.5), dbSNP rs2134024349, ClinGen allele CA379377118.

ClinVar aggregate classification (germline): Likely pathogenic. Review status: criteria provided, multiple submitters, no conflicts (2 of 4 stars). 3 submissions from 3 submitters: Likely pathogenic (3). Last evaluated 2024-03-22.

Conditions:
Niemann-Pick disease, type A. Also called: Infantile Neurovisceral ASMD (Niemann-Pick Disease Type A; NPD-A); SPHINGOMYELIN LIPIDOSIS; SPHINGOMYELINASE DEFICIENCY. Identifiers: Orphanet 77292, MedGen C0268242, MONDO:0009756, OMIM 257200. Disease mechanism: loss of function.
Niemann-Pick disease, type B. Also called: Chronic Visceral ASMD (Niemann-Pick Disease Type B; NPD-B). Identifiers: Orphanet 77293, MedGen C0268243, MONDO:0011871, OMIM 607616. Disease mechanism: loss of function.
Sphingomyelin/cholesterol lipidosis. Also called: Niemann-Pick disease. Identifiers: MedGen C0028064, MONDO:0001982.

Submissions (3):

Fulgent Genetics
Classification: Likely pathogenic for Niemann-Pick disease, type A; Niemann-Pick disease, type B. Last evaluated: 2024-03-22. Review status: criteria provided, single submitter. Criteria: ACMG Guidelines, 2015. Collection method: clinical testing. Allele origin: germline.

Women's Health and Genetics/Laboratory Corporation of America, LabCorp
Classification: Likely pathogenic for Sphingomyelin/cholesterol lipidosis. Last evaluated: 2024-03-22. Review status: criteria provided, single submitter. Criteria: LabCorp Variant Classification Summary - May 2015. Collection method: clinical testing. Allele origin: germline.
Comment: Variant summary: SMPD1 c.1783C>G (p.Leu595Val) results in a conservative amino acid change located in the Sphingomyelin phosphodiesterase, C-terminal domain (IPR045473) of the encoded protein sequence. Three of four in-silico tools predict a damaging effect of the variant on protein function. The variant was absent in 250890 control chromosomes (gnomAD). c.1783C>G has been reported in the literature in a homozygous individual affected with Niemann-Pick Disease type B (Deshpande_2021). These data indicate that the variant may be associated with disease. This publication also reports experimental evidence evaluating an impact on protein function, finding that the variant results in 0% of normal enzymatic activity. The following publication has been ascertained in the context of this evaluation (PMID: 34273913). ClinVar contains an entry for this variant (Variation ID: 1173980). Based on the evidence outlined above, the variant was classified as likely pathogenic.

Diagnostics Division, CENTRE FOR DNA FINGERPRINTING AND DIAGNOSTICS
Classification: Likely pathogenic for Niemann-Pick disease, type B. Last evaluated: 2021-04-25. Review status: criteria provided, single submitter. Criteria: ACMG Guidelines, 2015. Collection method: research. Allele origin: germline. Affected: yes. Observed: 1 variant allele.

Literature cited by the submitters: PubMed 34273913 (cited by Women's Health and Genetics/Laboratory Corporation of America, LabCorp).